The following is an entry in ClinVar:

ClinVar aggregate classification (germline): Uncertain significance (1 of 4 stars; one submission).

Allele frequency attached by ClinVar (database versions not stated): TOPMed 0.00001; gnomAD 0.00001; ExAC 0.00002.
gnomAD v4.1: 10 of 1,613,972 alleles (0.00062%); highest among the groups gnomAD compares: African/African-American, 0.004%; no homozygotes.

Submission:

Labcorp Genetics (formerly Invitae), Labcorp
Classification: Uncertain significance. Last evaluated: 2025-11-05. Review status: criteria provided, single submitter. Criteria: Invitae Variant Classification Sherloc (09022015). Collection method: clinical testing. Allele origin: germline.
Comment: This sequence change replaces arginine, which is basic and polar, with glutamine, which is neutral and polar, at codon 1907 of the TCF20 protein (p.Arg1907Gln). This variant is present in population databases (rs750408870, gnomAD 0.006%). This variant has not been reported in the literature in individuals affected with TCF20-related conditions. ClinVar contains an entry for this variant (Variation ID: 2955626). An algorithm developed to predict the effect of missense changes on protein structure and function (PolyPhen-2) suggests that this variant is likely to be disruptive. In summary, the available evidence is currently insufficient to determine the role of this variant in disease. Therefore, it has been classified as a Variant of Uncertain Significance.

NM_001378418.1(TCF20):c.5720G>A (p.Arg1907Gln)

Gene: TCF20 (transcription factor 20; minus strand). Cytogenetic location: 22q13.2.
Variant type: single nucleotide variant.
Coding change: c.5720G>A on transcript NM_001378418.1 (MANE Select); coding-DNA position 5720, G replaced by A.
Protein change: p.Arg1907Gln; replaces arginine 1907 with glutamine.
Molecular consequence: missense variant.
Genome position (GRCh38, 1-based): chr22:42,179,638, C>T on the plus strand (G>A on the coding strand, the complement: TCF20 is on the minus strand). VCF-style: chr22-42179638-C-T. GRCh37 (hg19) VCF-style: chr22-42575644-C-T.
Other names: c.5720G>A, p.Arg1907Gln (NM_005650.4, NM_181492.3); short protein forms R1907Q.
Identifiers: ClinVar variation 2955626 (VCV002955626.3), dbSNP rs750408870, ClinGen allele CA10266401.